The following is an entry in ClinVar:

NM_000218.3(KCNQ1):c.958C>T (p.Pro320Ser)

Gene: KCNQ1 (potassium voltage-gated channel subfamily Q member 1; plus strand). Cytogenetic location: 11p15.5.
Variant type: single nucleotide variant.
Coding change: c.958C>T on transcript NM_000218.3 (MANE Select); coding-DNA position 958, C replaced by T.
Protein change: p.Pro320Ser; replaces proline 320 with serine.
Molecular consequence: missense variant.
Genome position (GRCh38, 1-based): chr11:2,583,471, C>T. VCF-style: chr11-2583471-C-T. GRCh37 (hg19) VCF-style: chr11-2604701-C-T.
Other names: p.P320S:CCC>TCC; NM_000218.3(KCNQ1):c.958C>T; c.958C>T (LRG_287t1); c.958C>T, p.Pro320Ser (NM_001406836.1); c.688C>T, p.Pro230Ser (NM_001406837.1); c.514C>T, p.Pro172Ser (NM_001406838.1); c.577C>T, p.Pro193Ser (NM_181798.2); short protein forms P320S, P193S, P172S, P230S.
Identifiers: ClinVar variation 67130 (VCV000067130.23), dbSNP rs199472753, ClinGen allele CA008910.

ClinVar aggregate classification (germline): Uncertain significance. Review status: reviewed by expert panel (3 of 4 stars). 9 submissions from 9 submitters: Uncertain significance (1). 8 of the submissions do not count toward it. Last evaluated 2025-07-01.

Conditions:
Cardiovascular phenotype. Identifiers: MedGen CN230736.
Familial long QT syndrome (RWS). Also called: Congenital long QT syndrome; Romano-Ward syndrome; VENTRICULAR FIBRILLATION WITH PROLONGED QT INTERVAL. Identifiers: Orphanet 768, MedGen C1141890, MONDO:0019171.
Long QT syndrome (LQTS). Identifiers: MedGen C0023976, MeSH D008133, MONDO:0002442. Disease mechanism: loss of function. Inheritance: Various modes of inheritance.
Long QT syndrome 1 (LQT1). Identifiers: Orphanet 101016, Orphanet 768, MedGen C4551647, MONDO:0100316, OMIM 192500, MONDO:0008646.

Allele frequency attached by ClinVar (database versions not stated): gnomAD exomes below 0.00001.

Submissions (9):

ClinGen Potassium Channel Arrhythmia Variant Curation Expert Panel, ClinGen
Classification: Uncertain significance for Long QT syndrome 1. Last evaluated: 2025-07-01. Review status: reviewed by expert panel. Criteria: ClinGen KChannel ACMG Specifications KCNQ1 V1.0.0 2. Collection method: curation. Allele origin: germline. Inheritance: Autosomal dominant inheritance.
Comment: NM_000218.3(KCNQ1):c.958C>T is a missense variant predicted to cause substitution of proline by serine at amino acid 320 (p.Pro320Ser). This variant is rare and has been reported in 2 apparently unrelated probands affected with long QT syndrome 1 (PS4_Supporting; PMID: 23392653, PMID: 32383558). This variant is absent in gnomAD v.2.1.1, but present in gnomAD v4.1.0 at a maximum allele frequency of 0.0000008994, with 1 allele / 1,111,812 total alleles in the European Non-Finnish population, which is lower than the ClinGen Potassium Channel Arrhythmia VCEP PM2_Supporting threshold of <0.00001 (PM2_Supporting). This variant is a missense substitution within the pore helix consisting of amino acids 300 to 320, which is a well-characterized functional domain required for the channel function and selectivity filter of KCNQ1 (PMID: 15649981), and has been confirmed to show an absence of likely benign or benign variants listed in gnomAD (PM1). The computational predictor REVEL gives a score of 0.98, which is above the ClinGen Potassium Channel Arrhythmia VCEP PP3 threshold of >0.75 and predicts a damaging effect on KCNQ1 function (PP3). In summary, this variant meets the criteria to be classified as a variant of uncertain significance due to insufficient evidence for long QT syndrome 1 based on the ACMG/AMP criteria applied, as specified by the ClinGen Potassium Channel Arrhythmia VCEP: PS4_Supporting, PM2_Supporting, PM1, PP3. (VCEP specifications version 1.0.0; date of approval 03/04/2025).

Women's Health and Genetics/Laboratory Corporation of America, LabCorp
Classification: Pathogenic for Long QT syndrome. Last evaluated: 2025-06-13. Review status: criteria provided, single submitter. Criteria: LabCorp Variant Classification Summary - May 2015. Collection method: clinical testing. Allele origin: germline. Not counted in ClinVar's aggregate classification.
Comment: Variant summary: KCNQ1 c.958C>T (p.Pro320Ser) results in a non-conservative amino acid change located in the Ion transport domain of the encoded protein sequence. Algorithms developed to predict the effect of missense changes on protein structure and function all suggest that this variant is likely to be disruptive. The variant was absent in 253994 control chromosomes. c.958C>T has been observed in multiple individuals affected with Long QT Syndrome (Giudicessi_2013, Westphal_2020, Schwartz_2021). These data indicate that the variant is very likely to be associated with disease. To our knowledge, no experimental evidence demonstrating an impact on protein function has been reported. The following publications have been ascertained in the context of this evaluation (PMID: 23392653, 19716085, 34505893, 32383558). ClinVar contains an entry for this variant (Variation ID: 67130). Based on the evidence outlined above, the variant was classified as pathogenic.

Labcorp Genetics (formerly Invitae), Labcorp
Classification: Pathogenic for Long QT syndrome. Last evaluated: 2024-06-06. Review status: criteria provided, single submitter. Criteria: Invitae Variant Classification Sherloc (09022015). Collection method: clinical testing. Allele origin: germline. Not counted in ClinVar's aggregate classification.
Comment: This sequence change replaces proline, which is neutral and non-polar, with serine, which is neutral and polar, at codon 320 of the KCNQ1 protein (p.Pro320Ser). This variant is not present in population databases (gnomAD no frequency). This missense change has been observed in individuals with clinical features of long QT syndrome (PMID: 23392653; Invitae). ClinVar contains an entry for this variant (Variation ID: 67130). Advanced modeling of protein sequence and biophysical properties (such as structural, functional, and spatial information, amino acid conservation, physicochemical variation, residue mobility, and thermodynamic stability) performed at Invitae indicates that this missense variant is expected to disrupt KCNQ1 protein function with a positive predictive value of 95%. This variant disrupts the p.Pro320 amino acid residue in KCNQ1. Other variant(s) that disrupt this residue have been determined to be pathogenic (PMID: 19540844, 22949429). This suggests that this residue is clinically significant, and that variants that disrupt this residue are likely to be disease-causing. For these reasons, this variant has been classified as Pathogenic.

Institute of Human Genetics, University of Leipzig Medical Center
Classification: Likely pathogenic for Long QT syndrome 1. Last evaluated: 2022-11-29. Review status: criteria provided, single submitter. Criteria: ACMG Guidelines, 2015. Collection method: clinical testing. Allele origin: unknown. Affected: yes. Not counted in ClinVar's aggregate classification.
Comment: _x000D_ Criteria applied: PS4_MOD, PM1, PM5, PM2_SUP, PP3

GeneDx
Classification: Likely pathogenic. Last evaluated: 2021-11-15. Review status: criteria provided, single submitter. Criteria: GeneDx Variant Classification Process June 2021. Collection method: clinical testing. Allele origin: germline. Affected: yes. Not counted in ClinVar's aggregate classification.
Comment: Not observed at significant frequency in large population cohorts (Lek et al., 2016); At the protein level, silico analysis supports that this missense variant has a deleterious effect on protein structure/function; At the mRNA level, in-silico analysis is inconclusive as to whether the variant alters gene splicing. In the absence of RNA/functional studies, the actual effect of this sequence change is unknown.; Reported in ClinVar (ClinVar Variant ID# 67130; Landrum et al., 2016); This variant is associated with the following publications: (PMID: 19716085, 22581653, 23392653, 19540844, 26669661, 29033053, 27041150, 32383558)

Mayo Clinic Laboratories, Mayo Clinic
Classification: Likely pathogenic. Last evaluated: 2020-03-19. Review status: criteria provided, single submitter. Criteria: ACMG Guidelines, 2015. Collection method: clinical testing. Allele origin: germline. Observed: 1 variant allele. Not counted in ClinVar's aggregate classification.
Comment: PS4_Moderate, PM2, PM5, PP3

Ambry Genetics
Classification: Likely pathogenic for Cardiovascular phenotype. Last evaluated: 2019-06-05. Review status: criteria provided, single submitter. Criteria: Ambry Variant Classification Scheme 2023. Collection method: clinical testing. Allele origin: germline. Not counted in ClinVar's aggregate classification.
Comment: The p.P320S variant (also known as c.958C>T), located in coding exon 7 of the KCNQ1 gene, results from a C to T substitution at nucleotide position 958. The proline at codon 320 is replaced by serine, an amino acid with similar properties, and is located in the pore domain. In a study of long QT syndrome (LQTS) clinical genetic testing, this alteration was reported in one patient; however, clinical details were limited (Kapplinger JD et al. Heart Rhythm, 2009 Sep;6:1297-303). Based on internal structural analysis, this variant is anticipated to result in a significant decrease in structural stability (Ambry internal data, Sun J et al. Cell, 2017 Jun;169:1042-1050.e9). Alternate amino acid substitutions at this codon, p.P320A and p.P320H, have also been reported in LQTS cohorts, and functional studies supported a dominant negative impact for both variants (Donger C et al. Circulation, 1997 Nov;96:2778-81; Thomas D et al. J. Mol. Cell. Cardiol., 2010 Jan;48:230-7). This amino acid position is highly conserved in available vertebrate species. In addition, this alteration is predicted to be deleterious by in silico analysis. Based on the majority of available evidence to date, this variant is likely to be pathogenic.

Stanford Center for Inherited Cardiovascular Disease, Stanford University
Classification: Uncertain significance. Review status: criteria provided, single submitter. Criteria: ACMG Guidelines, 2015. Collection method: provider interpretation. Allele origin: germline. Not counted in ClinVar's aggregate classification.

Cardiovascular Biomedical Research Unit, Royal Brompton & Harefield NHS Foundation Trust
No classification provided. Condition: Familial long QT syndrome. Review status: no classification provided. Collection method: literature only. Allele origin: germline. Not counted in ClinVar's aggregate classification.
Comment: This variant has been reported as associated with Long QT syndrome in the following publications (PMID:19716085). This is a literature report, and does not necessarily reflect the clinical interpretation of the Imperial College / Royal Brompton Cardiovascular Genetics laboratory.

Literature cited by the submitters: PubMed 19716085 (cited by 4 submitters); PubMed 23392653 (cited by 4 submitters); PubMed 32383558 (cited by Women's Health and Genetics/Laboratory Corporation of America, LabCorp); PubMed 34505893 (cited by Women's Health and Genetics/Laboratory Corporation of America, LabCorp); PubMed 19540844 (cited by 3 submitters); PubMed 22949429 (cited by Labcorp Genetics (formerly Invitae), Labcorp and Mayo Clinic Laboratories, Mayo Clinic); PubMed 9386136 (cited by Mayo Clinic Laboratories, Mayo Clinic and Ambry Genetics); PubMed 17470695 (cited by Mayo Clinic Laboratories, Mayo Clinic); PubMed 28575668 (cited by Ambry Genetics); PubMed 22581653 (cited by Cardiovascular Biomedical Research Unit, Royal Brompton & Harefield NHS Foundation Trust).